The following is an entry in ClinVar:

ClinVar aggregate classification (germline): Conflicting classifications of pathogenicity. Review status: criteria provided, conflicting classifications (1 of 4 stars). 16 submissions from 16 submitters: Pathogenic (3); Likely pathogenic (7); Uncertain significance (4). 2 of the submissions do not count toward it. Last evaluated 2026-04-06.

Conditions:
PTPN11-related disorder. Also called: PTPN11-Related Disorders.
Cardiovascular phenotype. Identifiers: MedGen CN230736.
RASopathy. Also called: rasopathies; Noonan spectrum disorder. Identifiers: Orphanet 536391, MedGen C5555857, MONDO:0021060.
Noonan syndrome 1 (NS1). Also called: FEMALE PSEUDO-TURNER SYNDROME; TURNER PHENOTYPE WITH NORMAL KARYOTYPE; PTPN11-Related Noonan Syndrome. Identifiers: Orphanet 648, MedGen C4551602, MONDO:0008104, OMIM 163950. Disease mechanism: gain of function.
Juvenile myelomonocytic leukemia (JMML). Also called: LEUKEMIA, JUVENILE MYELOMONOCYTIC, SOMATIC. Identifiers: Orphanet 86834, MedGen C0349639, MONDO:0011908, OMIM 607785, HP:0012209.

Allele frequency attached by ClinVar (database versions not stated): gnomAD exomes below 0.00001; TOPMed 0.00002; gnomAD 0.00003.
gnomAD v4.1: 17 of 1,614,090 alleles (0.0011%); highest among the groups gnomAD compares: African/African-American, 0.0027%; no homozygotes.

Submissions 1 to 9 of 16:

Women's Health and Genetics/Laboratory Corporation of America, LabCorp
Classification: Uncertain significance. Last evaluated: 2026-04-06. Review status: criteria provided, single submitter. Criteria: LabCorp Variant Classification Summary - May 2015. Collection method: clinical testing. Allele origin: germline.
Comment: Variant summary: PTPN11 c.1282G>A (p.Val428Met) results in a conservative amino acid change in the encoded protein sequence. Algorithms developed to predict the effect of missense changes on protein structure and function are either unavailable or do not agree on the potential impact of this missense change. The variant allele was found at a frequency of 4e-06 in 251296 control chromosomes. c.1282G>A has been observed de novo in an individual with multiple abnormalities of the vertebrae and dysmorphic features who was diagnosed with PTPN11-associated syndrome based on genetic testing, although they also harbored other de novo missense variants in ROBO2 and TCF4 (Imafidon_2021). The variant has also been reported in a clinical WGS cohort (Stranneheim_2021) and an individual with congenital heart disease (Sierant_2025), without detailed clinical information or evidence for causality. To our knowledge, no experimental evidence demonstrating an impact on protein function has been reported. However, a different variant affecting the same codon has been classified as likely pathogenic/pathogenic (c.1282G>T, p.Val428Leu), supporting the critical relevance of codon 428 to PTPN11 protein function. The following publications have been ascertained in the context of this evaluation (PMID: 34136434, 40127276, 33726816). ClinVar contains an entry for this variant (Variation ID: 40545). Based on the evidence outlined above, the variant was classified as VUS-possibly pathogenic.

Genome Diagnostics Laboratory, The Hospital for Sick Children
Classification: Pathogenic for Juvenile myelomonocytic leukemia. Last evaluated: 2026-03-29. Review status: criteria provided, single submitter. Criteria: ACMG Guidelines, 2015. Collection method: clinical testing. Allele origin: germline. Affected: yes.
Comment: This missense variant results in a change of valine to methionine at position 428, and in silico programs predict this variant to be damaging. This variant was observed in individuals with PTPN11-associated disorders (PMID: 33726816; PMID: 34136434; PMID: 40127276). Two other different amino acid changes at this position, c.1282G>C (p.Val428Leu), and c.1282G>T (p.Val428Leu) has previously been reported and in patients with Noonan syndrome and PTPN11-associated conditions (PMID: 36566878; PMID: 24451042; PMID: 39891531). This variant is observed at an allele frequency of 0.0011% in populations of the Genome Aggregation Database (gnomAD). Based on the evidence above, this variant is classified as Pathogenic (ACMG criteria -PS2, PM2, PS4m, PM5, PP3)

Labcorp Genetics (formerly Invitae), Labcorp
Classification: Likely pathogenic for RASopathy. Last evaluated: 2025-12-19. Review status: criteria provided, single submitter. Criteria: Invitae Variant Classification Sherloc (09022015). Collection method: clinical testing. Allele origin: germline.
Comment: This sequence change replaces valine, which is neutral and non-polar, with methionine, which is neutral and non-polar, at codon 428 of the PTPN11 protein (p.Val428Met). This variant is present in population databases (rs397507536, gnomAD 0.004%). This variant has not been reported in the literature in individuals affected with PTPN11-related conditions. ClinVar contains an entry for this variant (Variation ID: 40545). Invitae Evidence Modeling of protein sequence and biophysical properties (such as structural, functional, and spatial information, amino acid conservation, physicochemical variation, residue mobility, and thermodynamic stability) indicates that this missense variant is expected to disrupt PTPN11 protein function with a positive predictive value of 95%. This variant disrupts the p.Val428 amino acid residue in PTPN11. Other variant(s) that disrupt this residue have been determined to be pathogenic (PMID: 24451042; internal data). This suggests that this residue is clinically significant, and that variants that disrupt this residue are likely to be disease-causing. In summary, the currently available evidence indicates that the variant is pathogenic, but additional data are needed to prove that conclusively. Therefore, this variant has been classified as Likely Pathogenic.

PreventionGenetics, part of Exact Sciences
Classification: Uncertain significance for PTPN11-related condition. Last evaluated: 2025-12-04. Review status: criteria provided, single submitter. Criteria: ACMG Guidelines, 2015. Collection method: clinical testing. Allele origin: germline.
Comment: The PTPN11 c.1282G>A variant is predicted to result in the amino acid substitution p.Val428Met. This variant has been reported as arising de novo in an individual with multiple abnormalities of the vertebrae and general dysmorphic features (Imafidon et al. 2021. PubMed ID: 34136434). This variant has also been reported in a patient undergoing whole genome sequencing whose phenotype was not specified (Stranneheim et al. 2021. PubMed ID: 33726816). Additionally, a different variant affecting this same amino acid (p.Val428Leu) has been reported in an individual with Noonan syndrome (Lepri et al. 2014. PubMed ID: 24451042). This variant is reported in 0.0040% of alleles in individuals of European (Finnish) descent in gnomAD. Although we suspect that this variant may be pathogenic, at this time, the clinical significance of this variant is uncertain due to the absence of conclusive functional and genetic evidence.

Genesolutions, Medical Genetics Institutes, Ho Chi Minh City, Vietnam
Classification: Pathogenic for Noonan syndrome 1. Last evaluated: 2025-09-24. Review status: criteria provided, single submitter. Criteria: ACMG Guidelines, 2015. Collection method: clinical testing. Allele origin: germline. Affected: yes.

Ambry Genetics
Classification: Likely pathogenic for Cardiovascular phenotype. Last evaluated: 2025-09-23. Review status: criteria provided, single submitter. Criteria: Ambry Variant Classification Scheme 2023. Collection method: clinical testing. Allele origin: germline.
Comment: The c.1282G>A (p.V428M) alteration is located in exon 11 (coding exon 11) of the PTPN11 gene. This alteration results from a G to A substitution at nucleotide position 1282, causing the valine (V) at amino acid position 428 to be replaced by a methionine (M). Based on the available evidence, the PTPN11 c.1282G>A (p.V428M) alteration is classified as likely pathogenic for PTPN11-related RASopathy; however, this variant is unlikely to be causative of metachondromatosis. Based on data from gnomAD, the A allele has an overall frequency of 0.001% (2/282698) total alleles studied. The highest observed frequency was 0.004% (1/25114) of European (Finnish) alleles. This alteration has been observed in multiple individuals with clinical features consistent with PTPN11-related RASopathy and has been determined to be the result of a de novo mutation or germline mosaicism in a few of the individuals (Ambry internal data; external communication). This amino acid position is highly conserved in available vertebrate species. This alteration is predicted to be deleterious by in silico analysis. Based on the available evidence, this alteration is classified as likely pathogenic.

GeneDx
Classification: Pathogenic. Last evaluated: 2025-09-23. Review status: criteria provided, single submitter. Criteria: GeneDx Variant Classification Process June 2021. Collection method: clinical testing. Allele origin: germline. Affected: yes.
Comment: Missense variants in this gene are a common cause of disease and they are underrepresented in the general population; In silico analysis supports that this missense variant has a deleterious effect on protein structure/function; This variant is associated with the following publications: (PMID: 26205736, 30355600, 25949834, 33726816, 29493581, 37445722, 38504984, 34136434, 24451042)

CeGaT Center for Human Genetics Tuebingen
Classification: Likely pathogenic. Last evaluated: 2025-08-01. Review status: criteria provided, single submitter. Criteria: CeGaT Center For Human Genetics Tuebingen Variant Classification Criteria Version 2. Collection method: clinical testing. Allele origin: germline. Affected: yes. Observed: 2 variant alleles.
Comment: PTPN11: PM5, PM2:Supporting, PM6:Supporting, PP2, PP3, PS4:Supporting

ARUP Laboratories, Molecular Genetics and Genomics, ARUP Laboratories
Classification: Likely pathogenic. Last evaluated: 2024-11-06. Review status: criteria provided, single submitter. Criteria: ARUP Molecular Germline Variant Investigation Process 2024. Collection method: clinical testing. Allele origin: germline.
Comment: The PTPN11 c.1282G>A; p.Val428Met variant (rs397507536) is reported in the literature as de novo variant in an individual with PTPN11-associated syndrome affected with multiple abnormalities of the vertebrae and dysmorphic features (Imafidon 2021). This variant is also reported in ClinVar (Variation ID: 40545). This variant is only observed on two alleles in the Genome Aggregation Database (v2.1.1), indicating it is not a common polymorphism. Computational analyses predict that this variant is deleterious (REVEL: 0.906). Based on available information, this variant is considered to be likely pathogenic. References: Imafidon ME et al. Strategies in Rapid Genetic Diagnostics of Critically Ill Children: Experiences From a Dutch University Hospital. Front Pediatr. 2021 PMID: 34136434

NM_002834.5(PTPN11):c.1282G>A (p.Val428Met)

Gene: PTPN11 (protein tyrosine phosphatase non-receptor type 11; plus strand). Cytogenetic location: 12q24.13.
Variant type: single nucleotide variant.
Coding change: c.1282G>A on transcript NM_002834.5 (MANE Select); coding-DNA position 1282, G replaced by A.
Protein change: p.Val428Met; replaces valine 428 with methionine.
Molecular consequence: missense variant.
Genome position (GRCh38, 1-based): chr12:112,486,532, G>A. VCF-style: chr12-112486532-G-A. GRCh37 (hg19) VCF-style: chr12-112924336-G-A.
Other names: p.V428M:GTG>ATG; c.1294G>A, p.Val432Met (NM_001330437.2); c.1279G>A, p.Val427Met (NM_001374625.1); c.1282G>A, p.Val428Met (NM_080601.3); c.1282G>A (NM_002834.4); short protein forms V428M, V432M, V427M.
Identifiers: ClinVar variation 40545 (VCV000040545.70), dbSNP rs397507536, ClinGen allele CA282120.